The following is an entry in ClinVar:

ClinVar aggregate classification (germline): Uncertain significance. Review status: criteria provided, multiple submitters, no conflicts (2 of 4 stars). 3 submissions from 3 submitters: Uncertain significance (3). Last evaluated 2025-09-06.

Conditions:
Hereditary cancer-predisposing syndrome. Also called: Hereditary neoplastic syndrome; Tumor predisposition; Neoplastic Syndromes, Hereditary; Hereditary Cancer Syndrome. Identifiers: Orphanet 140162, MedGen C0027672, MeSH D009386, MONDO:0015356.

Allele frequency attached by ClinVar (database versions not stated): gnomAD 0.00001; gnomAD exomes 0.00001 and 0.00002; ExAC 0.00004; ESP Exome Variant Server 0.00008.
gnomAD v4.1: 23 of 1,614,050 alleles (0.0014%); highest among the groups gnomAD compares: African/African-American, 0.0053%; no homozygotes.

Submissions (3):

Labcorp Genetics (formerly Invitae), Labcorp
Classification: Uncertain significance. Last evaluated: 2025-09-06. Review status: criteria provided, single submitter. Criteria: Invitae Variant Classification Sherloc (09022015). Collection method: clinical testing. Allele origin: germline.
Comment: This sequence change replaces valine, which is neutral and non-polar, with isoleucine, which is neutral and non-polar, at codon 160 of the XRCC2 protein (p.Val160Ile). This variant is present in population databases (rs144079294, gnomAD 0.004%). This variant has not been reported in the literature in individuals affected with XRCC2-related conditions. ClinVar contains an entry for this variant (Variation ID: 418546). Invitae Evidence Modeling of protein sequence and biophysical properties (such as structural, functional, and spatial information, amino acid conservation, physicochemical variation, residue mobility, and thermodynamic stability) indicates that this missense variant is not expected to disrupt XRCC2 protein function with a negative predictive value of 80%. In summary, the available evidence is currently insufficient to determine the role of this variant in disease. Therefore, it has been classified as a Variant of Uncertain Significance.

Ambry Genetics
Classification: Uncertain significance for Hereditary cancer-predisposing syndrome. Last evaluated: 2025-08-25. Review status: criteria provided, single submitter. Criteria: Ambry Variant Classification Scheme 2023. Collection method: clinical testing. Allele origin: germline.
Comment: The p.V160I variant (also known as c.478G>A), located in coding exon 3 of the XRCC2 gene, results from a G to A substitution at nucleotide position 478. The valine at codon 160 is replaced by isoleucine, an amino acid with highly similar properties. This amino acid position is not well conserved in available vertebrate species. In addition, this alteration is predicted to be tolerated by in silico analysis. Since supporting evidence is limited at this time, the clinical significance of this alteration remains unclear.

GeneDx
Classification: Uncertain significance. Last evaluated: 2016-08-08. Review status: criteria provided, single submitter. Criteria: GeneDx Variant Classification (06012015). Collection method: clinical testing. Allele origin: germline. Affected: yes.
Comment: This variant is denoted XRCC2 c.478G>A at the cDNA level, p.Val160Ile (V160I) at the protein level, and results in the change of a Valine to an Isoleucine (GTC>ATC). This variant has not, to our knowledge, been published in the literature as pathogenic or benign. XRCC2 Val160Ile was not observed at a significant allele frequency in the NHLBI Exome Sequencing Project. Since Valine and Isoleucine share similar properties, this is considered a conservative amino acid substitution. XRCC2 Val160Ile occurs at a position that is not conserved and is located in the ATPase domain (Kim 2011). In silico analyses are inconsistent regarding the effect this variant may have on protein structure or function. Based on currently available information, it is unclear whether XRCC2 Val160Ile is pathogenic or benign. We consider it to be a variant of uncertain significance.

NM_005431.2(XRCC2):c.478G>A (p.Val160Ile)

Gene: XRCC2 (X-ray repair cross complementing 2; minus strand). Cytogenetic location: 7q36.1.
Variant type: single nucleotide variant.
Coding change: c.478G>A on transcript NM_005431.2 (MANE Select); coding-DNA position 478, G replaced by A.
Protein change: p.Val160Ile; replaces valine 160 with isoleucine.
Molecular consequence: missense variant.
Genome position (GRCh38, 1-based): chr7:152,649,007, C>T on the plus strand (G>A on the coding strand, the complement: XRCC2 is on the minus strand). VCF-style: chr7-152649007-C-T. GRCh37 (hg19) VCF-style: chr7-152346092-C-T.
Other names: short protein forms V160I.
Identifiers: ClinVar variation 418546 (VCV000418546.17), dbSNP rs144079294, ClinGen allele CA4582341.